The following is an entry in ClinVar:

NM_024685.4(BBS10):c.1969A>G (p.Thr657Ala)

Gene: BBS10 (Bardet-Biedl syndrome 10; minus strand). Cytogenetic location: 12q21.2.
Variant type: single nucleotide variant.
Coding change: c.1969A>G on transcript NM_024685.4 (MANE Select); coding-DNA position 1969, A replaced by G.
Protein change: p.Thr657Ala; replaces threonine 657 with alanine.
Molecular consequence: missense variant.
Genome position (GRCh38, 1-based): chr12:76,346,016, T>C on the plus strand (A>G on the coding strand, the complement: BBS10 is on the minus strand). VCF-style: chr12-76346016-T-C. GRCh37 (hg19) VCF-style: chr12-76739796-T-C.
Other names: short protein forms T657A.
Identifiers: ClinVar variation 968614 (VCV000968614.13), dbSNP rs766733372, ClinGen allele CA6694070.

ClinVar aggregate classification (germline): Uncertain significance. Review status: criteria provided, multiple submitters, no conflicts (2 of 4 stars). 6 submissions from 6 submitters: Uncertain significance (5). 1 of the submissions does not count toward it. Last evaluated 2025-08-06.

Conditions:
Bardet-Biedl syndrome (BBS). Identifiers: Orphanet 110, MedGen C0752166, MONDO:0015229.
BBS10-related disorder. Also called: BBS10-related condition.
Bardet-Biedl syndrome 10 (BBS10). Identifiers: Orphanet 110, MedGen C1859568, MONDO:0014438, OMIM 615987.

Allele frequency attached by ClinVar (database versions not stated): ExAC 0.00003; gnomAD exomes 0.00003 and 0.00004; TOPMed 0.00003; gnomAD 0.00004.
gnomAD v4.1: 62 of 1,613,880 alleles (0.0038%); highest among the groups gnomAD compares: Non-Finnish European, 0.0042%; no homozygotes.

Submissions (6):

PreventionGenetics, part of Exact Sciences
Classification: Uncertain significance for BBS10-related condition. Last evaluated: 2025-08-06. Review status: criteria provided, single submitter. Criteria: ACMG Guidelines, 2015. Collection method: clinical testing. Allele origin: germline.
Comment: The BBS10 c.1969A>G variant is predicted to result in the amino acid substitution p.Thr657Ala. This variant was reported in an individual with Bardet-Biedl syndrome (Table 2, Orlova et al. 2024. PubMed ID: 39092430). This variant is reported in 0.012% of alleles in individuals of European (Non-Finnish) descent in gnomAD. At this time, the clinical significance of this variant is uncertain due to the absence of conclusive functional and genetic evidence.

Blueprint Genetics
Classification: Uncertain significance. Last evaluated: 2024-09-09. Review status: criteria provided, single submitter. Criteria: ACMG Guidelines, 2015. Collection method: clinical testing. Allele origin: germline.

Labcorp Genetics (formerly Invitae), Labcorp
Classification: Uncertain significance for Bardet-Biedl syndrome. Last evaluated: 2024-08-12. Review status: criteria provided, single submitter. Criteria: Invitae Variant Classification Sherloc (09022015). Collection method: clinical testing. Allele origin: germline.
Comment: This sequence change replaces threonine, which is neutral and polar, with alanine, which is neutral and non-polar, at codon 657 of the BBS10 protein (p.Thr657Ala). This variant is present in population databases (rs766733372, gnomAD 0.01%). This variant has not been reported in the literature in individuals affected with BBS10-related conditions. ClinVar contains an entry for this variant (Variation ID: 968614). Advanced modeling of protein sequence and biophysical properties (such as structural, functional, and spatial information, amino acid conservation, physicochemical variation, residue mobility, and thermodynamic stability) performed at Invitae indicates that this missense variant is not expected to disrupt BBS10 protein function with a negative predictive value of 80%. In summary, the available evidence is currently insufficient to determine the role of this variant in disease. Therefore, it has been classified as a Variant of Uncertain Significance.

Fulgent Genetics
Classification: Uncertain significance for Bardet-Biedl syndrome 10. Last evaluated: 2024-02-09. Review status: criteria provided, single submitter. Criteria: ACMG Guidelines, 2015. Collection method: clinical testing. Allele origin: germline.

DNA-diagnostics Laboratory, Research Centre For Medical Genetics
Classification: Uncertain significance for Bardet-Biedl syndrome 10. Review status: criteria provided, single submitter. Criteria: ACMG Guidelines, 2015. Collection method: clinical testing. Allele origin: germline. Affected: yes.

Natera, Inc.
Classification: Uncertain significance for Bardet-Biedl syndrome type 10. Last evaluated: 2020-06-19. Review status: no assertion criteria provided. Collection method: clinical testing. Allele origin: germline. Not counted in ClinVar's aggregate classification.